The following is an entry in ClinVar:

NM_006531.5(IFT88):c.2393G>A (p.Arg798Gln)

Gene: IFT88 (intraflagellar transport 88; plus strand). Cytogenetic location: 13q12.11.
Variant type: single nucleotide variant.
Coding change: c.2393G>A on transcript NM_006531.5 (MANE Select); coding-DNA position 2393, G replaced by A.
Protein change: p.Arg798Gln; replaces arginine 798 with glutamine.
Molecular consequence: missense variant. On other transcripts: 3 prime UTR variant (1), non-coding transcript variant (5).
Genome position (GRCh38, 1-based): chr13:20,691,093, G>A. VCF-style: chr13-20691093-G-A. GRCh37 (hg19) VCF-style: chr13-21265232-G-A.
Other names: c.2336G>A, p.Arg779Gln (NM_001318491.2); c.2420G>A, p.Arg807Gln (NM_001318493.2, NM_001353565.2, NM_001353566.2 and 2 more transcripts); c.2393G>A, p.Arg798Gln (NM_001353568.2); c.2318G>A, p.Arg773Gln (NM_001353569.2, NM_001353570.2); c.2291G>A, p.Arg764Gln (NM_001353571.2); c.2282G>A, p.Arg761Gln (NM_001353572.2); c.2249G>A, p.Arg750Gln (NM_001353573.2); c.2234G>A, p.Arg745Gln (NM_001353574.2); and 4 more; short protein forms R761Q, R773Q, R727Q, R750Q, R764Q, R798Q, R587Q, R736Q.
Identifiers: ClinVar variation 2146481 (VCV002146481.4), dbSNP rs148569265, ClinGen allele CA6905772.
Genomic context (GRCh38, chr13:20,691,093, plus strand): 5'-GACAATCTCTTCGAAACCTAGATGCCTCCTATGTGGACCCACTTGGCCCTCAAATAGAAC[G>A]ACCAAAAACTGCAGCCAAGAAAAGGATCGATGAGGATGATTTTGCTGATGAAGAATTAGG-3'
Protein context (NP_006522.2, residues 788-808): YVDPLGPQIE[Arg798Gln]PKTAAKKRID

ClinVar aggregate classification (germline): Uncertain significance (1 of 4 stars; one submission).

Allele frequency attached by ClinVar (database versions not stated): ExAC 0.00003; TOPMed 0.00003; gnomAD exomes 0.00005; gnomAD 0.00006; ESP Exome Variant Server 0.00008.
gnomAD v4.1: 91 of 1,613,710 alleles (0.0056%); highest among the groups gnomAD compares: Admixed American, 0.01%; no homozygotes.

Submission:

Labcorp Genetics (formerly Invitae), Labcorp
Classification: Uncertain significance. Last evaluated: 2026-01-19. Review status: criteria provided, single submitter. Criteria: Invitae Variant Classification Sherloc (09022015). Collection method: clinical testing. Allele origin: germline.
Comment: This sequence change replaces arginine, which is basic and polar, with glutamine, which is neutral and polar, at codon 807 of the IFT88 protein (p.Arg807Gln). This variant is present in population databases (rs148569265, gnomAD 0.009%). This variant has not been reported in the literature in individuals affected with IFT88-related conditions. ClinVar contains an entry for this variant (Variation ID: 2146481). An algorithm developed to predict the effect of missense changes on protein structure and function (PolyPhen-2) suggests that this variant is likely to be disruptive. In summary, the available evidence is currently insufficient to determine the role of this variant in disease. Therefore, it has been classified as a Variant of Uncertain Significance.